The following is an entry in ClinVar:

ClinVar aggregate classification (germline): Pathogenic (1 of 4 stars; one submission).

Conditions:
Arginase deficiency. Also called: ARGININEMIA; ARG1 DEFICIENCY; Arginase 1 Deficiency. Identifiers: Orphanet 90, MedGen C0268548, MONDO:0008814, OMIM 207800.

Submission:

Labcorp Genetics (formerly Invitae), Labcorp
Classification: Pathogenic for Arginase deficiency. Last evaluated: 2018-12-10. Review status: criteria provided, single submitter. Criteria: Invitae Variant Classification Sherloc (09022015). Collection method: clinical testing. Allele origin: germline.
Comment: This variant has not been reported in the literature in individuals with ARG1-related conditions. For these reasons, this variant has been classified as Pathogenic. This variant disrupts the C-terminus of the ARG1 protein. Other variant(s) that disrupt this region (p.Lys313Serfs*22) have been determined to be pathogenic (Invitae). This suggests that variants that disrupt this region of the protein are likely to be causative of disease. This variant is not present in population databases (ExAC no frequency). This sequence change results in a premature translational stop signal in the ARG1 gene (p.Ser271Argfs*40). While this is not anticipated to result in nonsense mediated decay, it is expected to disrupt the last 52 amino acids of the ARG1 protein.

NM_000045.4(ARG1):c.811_812del (p.Ser271fs)

Genes: ARG1 (arginase 1; plus strand), MED23 (mediator complex subunit 23; minus strand). Cytogenetic location: 6q23.2.
Variant type: Microsatellite.
Coding change: c.811_812del on transcript NM_000045.4 (MANE Select); coding-DNA positions 811 to 812, 2 bases deleted (TC; older notation c.811_812delTC).
Protein change: p.Ser271fs; shifts the reading frame from serine 271.
Molecular consequence: frameshift variant. On other transcripts: non-coding transcript variant (1), intron variant (2).
Genome position (GRCh38, 1-based): chr6:131,583,750-131,583,751, TC deleted; deleting any 2 consecutive bases within chr6:131,583,747-131,583,751 gives the same sequence; the c. name uses the placement nearest the transcript's 3' end. VCF-style (leftmost placement, unchanged base first): chr6-131583746-ACT-A. GRCh37 (hg19) VCF-style: chr6-131904886-ACT-A.
Other names: c.835_836del, p.Ser279fs (NM_001244438.2); c.556_557del, p.Ser186fs (NM_001369020.1); c.4077+3961_4077+3962del (NM_001270521.2); c.4095+3961_4095+3962del (NM_015979.4); short protein forms S271fs, S186fs, S279fs.
Identifiers: ClinVar variation 650567 (VCV000650567.10), dbSNP rs1585429783, ClinGen allele CA915943665.
Genomic context (GRCh38, chr6:131,583,746, plus strand): 5'-TACTTTCAAAATGTCAACTATTTTATAAATTACATTATTACAATTTGTTGTTGTAGGGCT[ACT>A]CTCAGGATTAGATATAATGGAAGTGAACCCATCCCTGGGGAAGACACCAGAAGAAGTAAC-3'